The following is an entry in ClinVar:

ClinVar aggregate classification (germline): Conflicting classifications of pathogenicity. Review status: criteria provided, conflicting classifications (1 of 4 stars). 2 submissions from 2 submitters: Uncertain significance (1); Likely benign (1). Last evaluated 2025-08-08.

Submissions (2):

Ambry Genetics
Classification: Uncertain significance. Last evaluated: 2025-08-08. Review status: criteria provided, single submitter. Criteria: Ambry Variant Classification Scheme 2023. Collection method: clinical testing. Allele origin: germline.

CeGaT Center for Human Genetics Tuebingen
Classification: Likely benign. Last evaluated: 2025-03-01. Review status: criteria provided, single submitter. Criteria: CeGaT Center For Human Genetics Tuebingen Variant Classification Criteria Version 2. Collection method: clinical testing. Allele origin: germline. Affected: yes. Observed: 3 variant alleles.
Comment: PPL: BP4

NM_002705.5(PPL):c.161G>C (p.Ser54Thr)

Gene: PPL (periplakin; minus strand). Cytogenetic location: 16p13.3.
Variant type: single nucleotide variant.
Coding change: c.161G>C on transcript NM_002705.5 (MANE Select); coding-DNA position 161, G replaced by C.
Protein change: p.Ser54Thr; replaces serine 54 with threonine.
Molecular consequence: missense variant.
Genome position (GRCh38, 1-based): chr16:4,910,851, C>G on the plus strand (G>C on the coding strand, the complement: PPL is on the minus strand). VCF-style: chr16-4910851-C-G. GRCh37 (hg19) VCF-style: chr16-4960852-C-G.
Other names: c.161G>C (NM_002705.4); short protein forms S54T.
Identifiers: ClinVar variation 3341542 (VCV003341542.17).